The following is an entry in ClinVar:

ClinVar aggregate classification (germline): Uncertain significance. Review status: criteria provided, multiple submitters, no conflicts (2 of 4 stars). 2 submissions from 2 submitters: Uncertain significance (2). Last evaluated 2024-12-12.

Conditions:
Radioulnar synostosis with amegakaryocytic thrombocytopenia 2 (RUSAT2). Also called: RADIOULNAR SYNOSTOSIS AND AMEGAKARYOCYTIC THROMBOCYTOPENIA 2. Identifiers: Orphanet 71289, MedGen C4225221, MONDO:0014758, OMIM 616738.
Inborn genetic diseases. Identifiers: MedGen C0950123, MeSH D030342.

Submissions (2):

Ambry Genetics
Classification: Uncertain significance for Inborn genetic diseases. Last evaluated: 2024-12-12. Review status: criteria provided, single submitter. Criteria: Ambry Variant Classification Scheme 2023. Collection method: clinical testing. Allele origin: germline.
Comment: The p.Y921C variant (also known as c.2762A>G), located in coding exon 11 of the MECOM gene, results from an A to G substitution at nucleotide position 2762. The tyrosine at codon 921 is replaced by cysteine, an amino acid with highly dissimilar properties. This amino acid position is conserved. In addition, this alteration is predicted to be deleterious by in silico analysis. Based on the available evidence, the clinical significance of this variant remains unclear.

Department of Human Genetics, Hannover Medical School
Classification: Uncertain significance for Radioulnar synostosis with amegakaryocytic thrombocytopenia 2. Last evaluated: 2024-09-12. Review status: criteria provided, single submitter. Criteria: ACMG Guidelines, 2015. Collection method: clinical testing. Allele origin: germline. Affected: yes.

NM_004991.4(MECOM):c.2762A>G (p.Tyr921Cys)

Gene: MECOM (MDS1 and EVI1 complex locus; minus strand). Cytogenetic location: 3q26.2.
Variant type: single nucleotide variant.
Coding change: c.2762A>G on transcript NM_004991.4 (MANE Select); coding-DNA position 2762, A replaced by G.
Protein change: p.Tyr921Cys; replaces tyrosine 921 with cysteine.
Molecular consequence: missense variant.
Genome position (GRCh38, 1-based): chr3:169,102,069, T>C on the plus strand (A>G on the coding strand, the complement: MECOM is on the minus strand). VCF-style: chr3-169102069-T-C. GRCh37 (hg19) VCF-style: chr3-168819857-T-C.
Other names: c.2393A>G, p.Tyr798Cys (NM_001105077.4); c.2198A>G, p.Tyr733Cys (NM_001105078.4, NM_001205194.2, NM_001366469.2 and 1 more transcripts); c.2174A>G, p.Tyr725Cys (NM_001163999.2, NM_001366470.2); c.2171A>G, p.Tyr724Cys (NM_001164000.2, NM_001366471.2, NM_001366472.2); c.2735A>G, p.Tyr912Cys (NM_001366466.2); c.2201A>G, p.Tyr734Cys (NM_001366467.2, NM_001366468.2); c.1763A>G, p.Tyr588Cys (NM_001366473.2); c.1199A>G, p.Tyr400Cys (NM_001366474.2); and 1 more; short protein forms Y400C, Y588C, Y724C, Y725C, Y733C, Y734C, Y798C, Y912C.
Identifiers: ClinVar variation 3340069 (VCV003340069.2).